The following is an entry in ClinVar:

NM_001375380.1(EBF3):c.673G>A (p.Val225Met)

Gene: EBF3 (EBF transcription factor 3; minus strand). Cytogenetic location: 10q26.3.
Variant type: single nucleotide variant.
Coding change: c.673G>A on transcript NM_001375380.1 (MANE Select); coding-DNA position 673, G replaced by A.
Protein change: p.Val225Met; replaces valine 225 with methionine.
Molecular consequence: missense variant.
Genome position (GRCh38, 1-based): chr10:129,873,560, C>T on the plus strand (G>A on the coding strand, the complement: EBF3 is on the minus strand). VCF-style: chr10-129873560-C-T. GRCh37 (hg19) VCF-style: chr10-131671824-C-T.
Other names: c.673G>A, p.Val225Met (NM_001005463.3, NM_001375379.1, NM_001375389.1 and 3 more transcripts); short protein forms V225M.
Identifiers: ClinVar variation 1691200 (VCV001691200.2), dbSNP rs913603139, ClinGen allele CA216024885.

ClinVar aggregate classification (germline): Uncertain significance (1 of 4 stars; one submission).

Allele frequency attached by ClinVar (database versions not stated): gnomAD exomes 0.00001; TOPMed 0.00001; gnomAD 0.00002.
gnomAD v4.1: 19 of 1,570,232 alleles (0.0012%); highest among the groups gnomAD compares: East Asian, 0.0023%; no homozygotes.

Submission:

GeneDx
Classification: Uncertain significance. Last evaluated: 2021-12-01. Review status: criteria provided, single submitter. Criteria: GeneDx Variant Classification Process June 2021. Collection method: clinical testing. Allele origin: germline. Affected: yes.
Comment: In silico analysis supports that this missense variant does not alter protein structure/function; Has not been previously published as pathogenic or benign to our knowledge